The following is an entry in ClinVar:

ClinVar aggregate classification (germline): Uncertain significance (1 of 4 stars; one submission).

Submission:

Labcorp Genetics (formerly Invitae), Labcorp
Classification: Uncertain significance. Last evaluated: 2024-01-20. Review status: criteria provided, single submitter. Criteria: Invitae Variant Classification Sherloc (09022015). Collection method: clinical testing. Allele origin: germline.
Comment: This sequence change affects a donor splice site in intron 7 of the SH2B1 gene. It is expected to disrupt RNA splicing. Variants that disrupt the donor or acceptor splice site typically lead to a loss of protein function (PMID: 16199547), however the current clinical and genetic evidence is not sufficient to establish whether loss-of-function variants in SH2B1 cause disease. This variant is not present in population databases (gnomAD no frequency). This variant has not been reported in the literature in individuals affected with SH2B1-related conditions. Algorithms developed to predict the effect of sequence changes on RNA splicing suggest that this variant may disrupt the consensus splice site. In summary, the available evidence is currently insufficient to determine the role of this variant in disease. Therefore, it has been classified as a Variant of Uncertain Significance.

Literature cited by the submitters: PubMed 16199547.

NM_001387430.1(SH2B1):c.1725+1G>A

Gene: SH2B1 (SH2B adaptor protein 1; plus strand). Cytogenetic location: 16p11.2.
Variant type: single nucleotide variant.
Coding change: c.1725+1G>A on transcript NM_001387430.1 (MANE Select); the canonical splice donor site of the intron after coding-DNA position 1725, G replaced by A.
Molecular consequence: splice donor variant.
Genome position (GRCh38, 1-based): chr16:28,872,402, G>A. VCF-style: chr16-28872402-G-A. GRCh37 (hg19) VCF-style: chr16-28883723-G-A.
Other names: c.1725+1G>A (NM_001308293.2, NM_001387404.1, NM_015503.3 and 4 more transcripts); c.717+1G>A (NM_001308294.2).
Identifiers: ClinVar variation 2763019 (VCV002763019.3), dbSNP rs2544889608, ClinGen allele CA395396044.